The following is an entry in ClinVar:

NM_007272.3(CTRC):c.407C>T (p.Thr136Ile)

Gene: CTRC (chymotrypsin C; plus strand). Cytogenetic location: 1p36.21.
Variant type: single nucleotide variant.
Coding change: c.407C>T on transcript NM_007272.3 (MANE Select); coding-DNA position 407, C replaced by T.
Protein change: p.Thr136Ile; replaces threonine 136 with isoleucine.
Molecular consequence: missense variant.
Genome position (GRCh38, 1-based): chr1:15,443,469, C>T. VCF-style: chr1-15443469-C-T. GRCh37 (hg19) VCF-style: chr1-15769964-C-T.
Other names: short protein forms T136I.
Identifiers: ClinVar variation 650054 (VCV000650054.10), dbSNP rs1302946061, ClinGen allele CA338566103.

ClinVar aggregate classification (germline): Uncertain significance. Review status: criteria provided, multiple submitters, no conflicts (2 of 4 stars). 2 submissions from 2 submitters: Uncertain significance (2). Last evaluated 2020-08-24.

Conditions:
Hereditary pancreatitis (PCTT). Also called: PRSS1-Related Hereditary Pancreatitis; Hereditary chronic pancreatitis. Identifiers: Orphanet 676, MedGen C0238339, MONDO:0008185, OMIM 167800.

Allele frequency attached by ClinVar (database versions not stated): gnomAD exomes below 0.00001.

Submissions (2):

Labcorp Genetics (formerly Invitae), Labcorp
Classification: Uncertain significance for Hereditary pancreatitis. Last evaluated: 2020-08-24. Review status: criteria provided, single submitter. Criteria: Invitae Variant Classification Sherloc (09022015). Collection method: clinical testing. Allele origin: germline.
Comment: This sequence change replaces threonine with isoleucine at codon 136 of the CTRC protein (p.Thr136Ile). The threonine residue is highly conserved and there is a moderate physicochemical difference between threonine and isoleucine. In summary, the available evidence is currently insufficient to determine the role of this variant in disease. Therefore, it has been classified as a Variant of Uncertain Significance. Algorithms developed to predict the effect of missense changes on protein structure and function (SIFT, PolyPhen-2, Align-GVGD) all suggest that this variant is likely to be tolerated, but these predictions have not been confirmed by published functional studies and their clinical significance is uncertain. This variant has not been reported in the literature in individuals with CTRC-related conditions. This variant is not present in population databases (ExAC no frequency).

Ambry Genetics
Classification: Uncertain significance for Hereditary pancreatitis. Last evaluated: 2017-09-18. Review status: criteria provided, single submitter. Criteria: Ambry Variant Classification Scheme 2023. Collection method: clinical testing. Allele origin: germline.
Comment: The p.T136I variant (also known as c.407C>T), located in coding exon 5 of the CTRC gene, results from a C to T substitution at nucleotide position 407. The threonine at codon 136 is replaced by isoleucine, an amino acid with similar properties. This amino acid position is well conserved in available vertebrate species. In addition, the in silico prediction for this alteration is inconclusive. Since supporting evidence is limited at this time, the clinical significance of this alteration remains unclear.